The following is an entry in ClinVar:

ClinVar aggregate classification (germline): Likely benign (1 of 4 stars; one submission).

gnomAD v4.1: 1 of 1,610,912 alleles (0.000062%); highest among the groups gnomAD compares: Admixed American, 0.0017%; no homozygotes.

Submission:

CeGaT Center for Human Genetics Tuebingen
Classification: Likely benign. Last evaluated: 2026-07-01. Review status: criteria provided, single submitter. Criteria: CeGaT Center For Human Genetics Tuebingen Variant Classification Criteria Version 2. Collection method: clinical testing. Allele origin: germline. Affected: yes. Observed: 1 variant allele.
Comment: SEMA3E: BP4, BP7

NM_012431.3(SEMA3E):c.531C>A (p.Ser177=)

Gene: SEMA3E (semaphorin 3E; minus strand). Cytogenetic location: 7q21.11.
Variant type: single nucleotide variant.
Coding change: c.531C>A on transcript NM_012431.3 (MANE Select); coding-DNA position 531, C replaced by A.
Protein change: p.Ser177=; no amino-acid change (serine 177 retained).
Molecular consequence: synonymous variant.
Genome position (GRCh38, 1-based): chr7:83,418,409, G>T on the plus strand (C>A on the coding strand, the complement: SEMA3E is on the minus strand). VCF-style: chr7-83418409-G-T. GRCh37 (hg19) VCF-style: chr7-83047725-G-T.
Other names: c.351C>A, p.Ser117= (NM_001178129.2).
Identifiers: ClinVar variation 5040194 (VCV005040194.1).